The following is an entry in ClinVar:

NM_001256789.3(CACNA1F):c.4562G>A (p.Arg1521Gln)

Genes: CACNA1F (calcium voltage-gated channel subunit alpha1 F; minus strand), LOC126863257 (BRD4-independent group 4 enhancer GRCh37_chrX:49065732-49066931; plus strand). Cytogenetic location: Xp11.23.
Variant type: single nucleotide variant.
Coding change: c.4562G>A on transcript NM_001256789.3 (MANE Select); coding-DNA position 4562, G replaced by A.
Protein change: p.Arg1521Gln; replaces arginine 1521 with glutamine.
Molecular consequence: missense variant.
Genome position (GRCh38, 1-based): chrX:49,210,327, C>T on the plus strand (G>A on the coding strand, the complement: CACNA1F is on the minus strand). VCF-style: chrX-49210327-C-T. GRCh37 (hg19) VCF-style: chrX-49066787-C-T.
Other names: c.4400G>A, p.Arg1467Gln (NM_001256790.3); c.4595G>A, p.Arg1532Gln (NM_005183.4); short protein forms R1521Q, R1532Q, R1467Q.
Identifiers: ClinVar variation 4996630 (VCV004996630.1).

ClinVar aggregate classification (germline): Uncertain significance (1 of 4 stars; one submission).

Conditions:
CACNA1F-related disorder. Also called: CACNA1F-related condition.

Submission:

PreventionGenetics, part of Exact Sciences
Classification: Uncertain significance for CACNA1F-related condition. Last evaluated: 2025-11-11. Review status: criteria provided, single submitter. Criteria: ACMG Guidelines, 2015. Collection method: clinical testing. Allele origin: germline.
Comment: The CACNA1F c.4595G>A variant is predicted to result in the amino acid substitution p.Arg1532Gln. To our knowledge, this variant has not been reported in the literature. An alternate variant affecting this same amino acid residue (p.Arg1532Trp) has been reported in individuals with retinal disease (Hove et al. 2016. PubMed ID: 28002560; Sadeh et al. 2023. PubMed ID: 37206923; Table S1, Weisschuh et al. 2024. PubMed ID: 37734845). This variant is predicted damaging to the encoded protein (Liu et al. 2016. PMID:26555599). This variant is absent in a large population database (gnomAD), indicating this variant is rare. Although we suspect that this variant may be pathogenic, at this time, the clinical significance of this variant is uncertain due to the absence of conclusive functional and genetic evidence.